The following is an entry in ClinVar:

ClinVar aggregate classification (germline): Uncertain significance. Review status: criteria provided, multiple submitters, no conflicts (2 of 4 stars). 4 submissions from 3 submitters: Uncertain significance (4). Last evaluated 2022-09-07.

Conditions:
Retinitis pigmentosa (RP). Identifiers: Orphanet 791, MedGen C0035334, MeSH D012174, MONDO:0019200, OMIM 268000. Inheritance: Autosomal dominant, autosomal recessive and X linked inheritance.
Leber congenital amaurosis 4 (LCA4). Identifiers: MedGen C1858386, MONDO:0011458, OMIM 604393.

Allele frequency attached by ClinVar (database versions not stated): gnomAD exomes 0.00003 and 0.00002; ESP Exome Variant Server 0.00015; 1000 Genomes Project 30x 0.00016; 1000 Genomes Project 0.00020; gnomAD 0.00001 and 0.00002; TOPMed 0.00002; ExAC 0.00003.
gnomAD v4.1: 29 of 1,613,684 alleles (0.0018%); highest among the groups gnomAD compares: Middle Eastern, 0.016%; no homozygotes.

Submissions (4):

Labcorp Genetics (formerly Invitae), Labcorp
Classification: Uncertain significance for Leber congenital amaurosis 4. Last evaluated: 2022-09-07. Review status: criteria provided, single submitter. Criteria: Invitae Variant Classification Sherloc (09022015). Collection method: clinical testing. Allele origin: germline.
Comment: This sequence change replaces threonine, which is neutral and polar, with methionine, which is neutral and non-polar, at codon 120 of the AIPL1 protein (p.Thr120Met). This variant is present in population databases (rs144579083, gnomAD 0.03%). This variant has not been reported in the literature in individuals affected with AIPL1-related conditions. ClinVar contains an entry for this variant (Variation ID: 324621). Algorithms developed to predict the effect of missense changes on protein structure and function are either unavailable or do not agree on the potential impact of this missense change (SIFT: "Deleterious"; PolyPhen-2: "Possibly Damaging"; Align-GVGD: "Class C0"). In summary, the available evidence is currently insufficient to determine the role of this variant in disease. Therefore, it has been classified as a Variant of Uncertain Significance.

Blueprint Genetics
Classification: Uncertain significance. Last evaluated: 2020-10-23. Review status: criteria provided, single submitter. Criteria: ACMG Guidelines, 2015. Collection method: clinical testing. Allele origin: germline.

Illumina Laboratory Services, Illumina
Classification: Uncertain significance for Leber congenital amaurosis 4. Last evaluated: 2018-01-12. Review status: criteria provided, single submitter. Criteria: ICSL Variant Classification Criteria 13 December 2019. Collection method: clinical testing. Allele origin: germline.

Illumina Laboratory Services, Illumina
Classification: Uncertain significance for Retinitis pigmentosa. Last evaluated: 2018-01-12. Review status: criteria provided, single submitter. Criteria: ICSL Variant Classification Criteria 13 December 2019. Collection method: clinical testing. Allele origin: germline.

NM_014336.5(AIPL1):c.359C>T (p.Thr120Met)

Gene: AIPL1 (AIP like 1 HSP90 co-chaperone; minus strand). Cytogenetic location: 17p13.2.
Variant type: single nucleotide variant.
Coding change: c.359C>T on transcript NM_014336.5 (MANE Select); coding-DNA position 359, C replaced by T.
Protein change: p.Thr120Met; replaces threonine 120 with methionine.
Molecular consequence: missense variant. On other transcripts: intron variant (1).
Genome position (GRCh38, 1-based): chr17:6,428,424, G>A on the plus strand (C>T on the coding strand, the complement: AIPL1 is on the minus strand). VCF-style: chr17-6428424-G-A. GRCh37 (hg19) VCF-style: chr17-6331744-G-A.
Other names: c.179C>T, p.Thr60Met (NM_001033055.3); c.323C>T, p.Thr108Met (NM_001285399.3); c.293C>T, p.Thr98Met (NM_001285400.3); c.359C>T, p.Thr120Met (NM_001285401.3, NM_001285403.4); c.242C>T, p.Thr81Met (NM_001285402.2); c.277-1367C>T (NM_001033054.3); short protein forms T120M, T60M, T81M, T98M, T108M.
Identifiers: ClinVar variation 324621 (VCV000324621.9), dbSNP rs144579083, ClinGen allele CA8328535.
Genomic context (GRCh38, chr17:6,428,424, plus strand): 5'-AGCTCGTCCAGGTCCTCGTAGCCCAGCGTGTGGTAGGCGAACATGTTGGCCAGCCCGCAC[G>A]TGTGCACGTGCCACTCTGTGGGGTCCTTGCCCTGGGCCATCTGCCTCAGGCTCCGGGATA-3'
Protein context (NP_055151.3, residues 110-130): GKDPTEWHVH[Thr120Met]CGLANMFAYH